The following is an entry in ClinVar:

ClinVar aggregate classification (germline): Uncertain significance. Review status: criteria provided, multiple submitters, no conflicts (2 of 4 stars). 2 submissions from 2 submitters: Uncertain significance (2). Last evaluated 2024-09-30.

Conditions:
Hereditary cancer-predisposing syndrome. Also called: Neoplastic Syndromes, Hereditary; Tumor predisposition; Hereditary neoplastic syndrome; Hereditary Cancer Syndrome. Identifiers: Orphanet 140162, MedGen C0027672, MeSH D009386, MONDO:0015356.
Cardiovascular phenotype. Identifiers: MedGen CN230736.

Submissions (2):

GeneDx
Classification: Uncertain significance. Last evaluated: 2024-09-30. Review status: criteria provided, single submitter. Criteria: GeneDx Variant Classification Process June 2021. Collection method: clinical testing. Allele origin: germline. Affected: yes.
Comment: Not observed at significant frequency in large population cohorts (gnomAD); In silico analysis supports that this missense variant has a deleterious effect on protein structure/function; Has not been previously published as pathogenic or benign to our knowledge

Ambry Genetics
Classification: Uncertain significance for Cardiovascular phenotype; Hereditary cancer-predisposing syndrome. Last evaluated: 2022-11-23. Review status: criteria provided, single submitter. Criteria: Ambry Variant Classification Scheme 2023. Collection method: clinical testing. Allele origin: germline.
Comment: The p.S1733C variant (also known as c.5198C>G), located in coding exon 36 of the NF1 gene, results from a C to G substitution at nucleotide position 5198. The serine at codon 1733 is replaced by cysteine, an amino acid with dissimilar properties. This amino acid position is conserved. In addition, this alteration is predicted to be tolerated by in silico analysis. Since supporting evidence is limited at this time, the clinical significance of this alteration remains unclear.

NM_001042492.3(NF1):c.5261C>G (p.Ser1754Cys)

Gene: NF1 (neurofibromin 1; plus strand). Cytogenetic location: 17q11.2.
Variant type: single nucleotide variant.
Coding change: c.5261C>G on transcript NM_001042492.3 (MANE Select); coding-DNA position 5261, C replaced by G.
Protein change: p.Ser1754Cys; replaces serine 1754 with cysteine.
Molecular consequence: missense variant.
Genome position (GRCh38, 1-based): chr17:31,326,245, C>G. VCF-style: chr17-31326245-C-G. GRCh37 (hg19) VCF-style: chr17-29653263-C-G.
Other names: c.5198C>G, p.Ser1733Cys (NM_000267.4); short protein forms S1733C, S1754C.
Identifiers: ClinVar variation 2452222 (VCV002452222.3), dbSNP rs2151539098, ClinGen allele CA399008399.
Genomic context (GRCh38, chr17:31,326,245, plus strand): 5'-AAGAGGACCTGAAGGTATTCCACAATGCTCTCAAGCTAGCTCACAAAGACACCAAAGTTT[C>G]TATTAAAGTAAGTTCCAGTCTGTGTTTTGTAAACGATTCATTGCTTTTCTTGACTAACTA-3'
Protein context (NP_001035957.1, residues 1744-1764): LKLAHKDTKV[Ser1754Cys]IKVGSTAVQV